The following is an entry in ClinVar:

ClinVar aggregate classification (germline): Uncertain significance. Review status: criteria provided, multiple submitters, no conflicts (2 of 4 stars). 2 submissions from 2 submitters: Uncertain significance (2). Last evaluated 2024-06-28.

Conditions:
Fanconi anemia (FA). Also called: Fanconi's anemia. Identifiers: Orphanet 84, MedGen C0015625, MeSH D005199, MONDO:0019391.

Allele frequency attached by ClinVar (database versions not stated): ExAC 0.00001; gnomAD exomes 0.00001; TOPMed 0.00001.
gnomAD v4.1: 10 of 1,614,196 alleles (0.00062%); highest among the groups gnomAD compares: Admixed American, 0.0033%; no homozygotes.

Submissions (2):

Labcorp Genetics (formerly Invitae), Labcorp
Classification: Uncertain significance for Fanconi anemia. Last evaluated: 2024-06-28. Review status: criteria provided, single submitter. Criteria: Invitae Variant Classification Sherloc (09022015). Collection method: clinical testing. Allele origin: germline.
Comment: This sequence change replaces alanine, which is neutral and non-polar, with threonine, which is neutral and polar, at codon 1686 of the SLX4 protein (p.Ala1686Thr). This variant is present in population databases (rs751219957, gnomAD 0.003%). This variant has not been reported in the literature in individuals affected with SLX4-related conditions. ClinVar contains an entry for this variant (Variation ID: 643049). Algorithms developed to predict the effect of missense changes on protein structure and function output the following: SIFT: "Not Available"; PolyPhen-2: "Benign"; Align-GVGD: "Not Available". The threonine amino acid residue is found in multiple mammalian species, which suggests that this missense change does not adversely affect protein function. In summary, the available evidence is currently insufficient to determine the role of this variant in disease. Therefore, it has been classified as a Variant of Uncertain Significance.

Blueprint Genetics
Classification: Uncertain significance. Last evaluated: 2023-10-10. Review status: criteria provided, single submitter. Criteria: ACMG Guidelines, 2015. Collection method: clinical testing. Allele origin: germline.

NM_032444.4(SLX4):c.5056G>A (p.Ala1686Thr)

Gene: SLX4 (SLX4 structure-specific endonuclease subunit; minus strand). Cytogenetic location: 16p13.3.
Variant type: single nucleotide variant.
Coding change: c.5056G>A on transcript NM_032444.4 (MANE Select); coding-DNA position 5056, G replaced by A.
Protein change: p.Ala1686Thr; replaces alanine 1686 with threonine.
Molecular consequence: missense variant.
Genome position (GRCh38, 1-based): chr16:3,583,194, C>T on the plus strand (G>A on the coding strand, the complement: SLX4 is on the minus strand). VCF-style: chr16-3583194-C-T. GRCh37 (hg19) VCF-style: chr16-3633195-C-T.
Other names: c.5056G>A (LRG_503t1); short protein forms A1686T.
Identifiers: ClinVar variation 643049 (VCV000643049.8), dbSNP rs751219957, ClinGen allele CA7865438.